The following is an entry in ClinVar:

NM_032656.4(DHX37):c.1552A>G (p.Lys518Glu)

Gene: DHX37 (DEAH-box helicase 37; minus strand). Cytogenetic location: 12q24.31.
Variant type: single nucleotide variant.
Coding change: c.1552A>G on transcript NM_032656.4 (MANE Select); coding-DNA position 1552, A replaced by G.
Protein change: p.Lys518Glu; replaces lysine 518 with glutamic acid.
Molecular consequence: missense variant.
Genome position (GRCh38, 1-based): chr12:124,966,831, T>C on the plus strand (A>G on the coding strand, the complement: DHX37 is on the minus strand). VCF-style: chr12-124966831-T-C. GRCh37 (hg19) VCF-style: chr12-125451377-T-C.
Other names: short protein forms K518E.
Identifiers: ClinVar variation 4797884 (VCV004797884.1).

ClinVar aggregate classification (germline): Uncertain significance (1 of 4 stars; one submission).

Submission:

Labcorp Genetics (formerly Invitae), Labcorp
Classification: Uncertain significance. Last evaluated: 2025-08-12. Review status: criteria provided, single submitter. Criteria: Invitae Variant Classification Sherloc (09022015). Collection method: clinical testing. Allele origin: germline.
Comment: This sequence change replaces lysine, which is basic and polar, with glutamic acid, which is acidic and polar, at codon 518 of the DHX37 protein (p.Lys518Glu). This variant is not present in population databases (gnomAD no frequency). This variant has not been reported in the literature in individuals affected with DHX37-related conditions. An algorithm developed to predict the effect of missense changes on protein structure and function (PolyPhen-2) suggests that this variant is likely to be tolerated. In summary, the available evidence is currently insufficient to determine the role of this variant in disease. Therefore, it has been classified as a Variant of Uncertain Significance.